The following is an entry in ClinVar:

ClinVar aggregate classification (germline): Uncertain significance. Review status: criteria provided, multiple submitters, no conflicts (2 of 4 stars). 2 submissions from 2 submitters: Uncertain significance (2). Last evaluated 2023-09-14.

Conditions:
Progressive myoclonic epilepsy type 8. Identifiers: Orphanet 424027, MedGen C5190825, MONDO:0014545, OMIM 616230.

Allele frequency attached by ClinVar (database versions not stated): ESP Exome Variant Server 0.00008; gnomAD 0.00012 and 0.00013; ExAC 0.00015; gnomAD exomes 0.00017.

Submissions (2):

Blueprint Genetics
Classification: Uncertain significance. Last evaluated: 2023-09-14. Review status: criteria provided, single submitter. Criteria: ACMG Guidelines, 2015. Collection method: clinical testing. Allele origin: germline.

Labcorp Genetics (formerly Invitae), Labcorp
Classification: Uncertain significance for Progressive myoclonic epilepsy type 8. Last evaluated: 2022-08-23. Review status: criteria provided, single submitter. Criteria: Invitae Variant Classification Sherloc (09022015). Collection method: clinical testing. Allele origin: germline.
Comment: This sequence change replaces alanine, which is neutral and non-polar, with threonine, which is neutral and polar, at codon 97 of the CERS1 protein (p.Ala97Thr). This variant is present in population databases (rs374076863, gnomAD 0.1%). This variant has not been reported in the literature in individuals affected with CERS1-related conditions. ClinVar contains an entry for this variant (Variation ID: 846014). Algorithms developed to predict the effect of missense changes on protein structure and function (SIFT, PolyPhen-2, Align-GVGD) all suggest that this variant is likely to be tolerated. In summary, the available evidence is currently insufficient to determine the role of this variant in disease. Therefore, it has been classified as a Variant of Uncertain Significance.

NM_021267.5(CERS1):c.289G>A (p.Ala97Thr)

Genes: CERS1 (ceramide synthase 1; minus strand), GDF1 (growth differentiation factor 1; minus strand). Cytogenetic location: 19p13.11.
Variant type: single nucleotide variant.
Coding change: c.289G>A on transcript NM_021267.5 (MANE Select); coding-DNA position 289, G replaced by A.
Protein change: p.Ala97Thr; replaces alanine 97 with threonine.
Molecular consequence: missense variant. On other transcripts: 5 prime UTR variant (7).
Genome position (GRCh38, 1-based): chr19:18,893,536, C>T on the plus strand (G>A on the coding strand, the complement: CERS1 is on the minus strand). VCF-style: chr19-18893536-C-T. GRCh37 (hg19) VCF-style: chr19-19004345-C-T.
Other names: c.-6G>A (NM_001290265.2, NM_001387442.1, NM_001387443.1 and 2 more transcripts); c.289G>A, p.Ala97Thr (NM_001387439.1, NM_001387440.1, NM_001387441.1 and 1 more transcripts); c.-614G>A (NM_001387438.1); c.-1034G>A (NM_001492.6); short protein forms A97T.
Identifiers: ClinVar variation 846014 (VCV000846014.6), dbSNP rs374076863, ClinGen allele CA9318316.